The following is an entry in ClinVar:

ClinVar aggregate classification (germline): Likely benign. Review status: criteria provided, multiple submitters, no conflicts (2 of 4 stars). 2 submissions from 2 submitters: Likely benign (2). Last evaluated 2025-12-03.

Allele frequency attached by ClinVar (database versions not stated): gnomAD exomes 0.00001.
gnomAD v4.1: 10 of 1,614,082 alleles (0.00062%); highest among the groups gnomAD compares: Non-Finnish European, 0.00068%; no homozygotes.

Submissions (2):

Labcorp Genetics (formerly Invitae), Labcorp
Classification: Likely benign. Last evaluated: 2025-12-03. Review status: criteria provided, single submitter. Criteria: Invitae Variant Classification Sherloc (09022015). Collection method: clinical testing. Allele origin: germline.

Mayo Clinic Laboratories, Mayo Clinic
Classification: Likely benign. Last evaluated: 2025-10-07. Review status: criteria provided, single submitter. Criteria: ACMG Guidelines, 2015. Collection method: clinical testing. Allele origin: germline. Observed: 1 variant allele.
Comment: BP4, BP7, PM2_supporting

NM_003118.4(SPARC):c.453C>T (p.Tyr151=)

Gene: SPARC (secreted protein acidic and cysteine rich; minus strand). Cytogenetic location: 5q33.1.
Variant type: single nucleotide variant.
Coding change: c.453C>T on transcript NM_003118.4 (MANE Select); coding-DNA position 453, C replaced by T.
Protein change: p.Tyr151=; no amino-acid change (tyrosine 151 retained).
Molecular consequence: synonymous variant.
Genome position (GRCh38, 1-based): chr5:151,667,599, G>A on the plus strand (C>T on the coding strand, the complement: SPARC is on the minus strand). VCF-style: chr5-151667599-G-A. GRCh37 (hg19) VCF-style: chr5-151047160-G-A.
Other names: p.Tyr151=; c.450C>T, p.Tyr150= (NM_001309443.2); c.453C>T, p.Tyr151= (NM_001309444.2).
Identifiers: ClinVar variation 3012814 (VCV003012814.4), dbSNP rs2480202966, ClinGen allele CA447211478.